The following is an entry in ClinVar:

ClinVar aggregate classification (germline): Uncertain significance. Review status: criteria provided, multiple submitters, no conflicts (2 of 4 stars). 2 submissions from 2 submitters: Uncertain significance (2). Last evaluated 2025-07-31.

Allele frequency attached by ClinVar (database versions not stated): gnomAD exomes 0.00001; ExAC 0.00002; TOPMed 0.00008; gnomAD 0.00010.
gnomAD v4.1: 32 of 1,613,556 alleles (0.002%); highest among the groups gnomAD compares: Admixed American, 0.045%; no homozygotes.

Submissions (2):

Ambry Genetics
Classification: Uncertain significance. Last evaluated: 2025-07-31. Review status: criteria provided, single submitter. Criteria: Ambry Variant Classification Scheme 2023. Collection method: clinical testing. Allele origin: germline.

Labcorp Genetics (formerly Invitae), Labcorp
Classification: Uncertain significance. Last evaluated: 2022-08-30. Review status: criteria provided, single submitter. Criteria: Invitae Variant Classification Sherloc (09022015). Collection method: clinical testing. Allele origin: germline.
Comment: In summary, the available evidence is currently insufficient to determine the role of this variant in disease. Therefore, it has been classified as a Variant of Uncertain Significance. This sequence change replaces serine, which is neutral and polar, with arginine, which is basic and polar, at codon 327 of the FUK protein (p.Ser327Arg). Algorithms developed to predict the effect of sequence changes on RNA splicing suggest that this variant may disrupt the consensus splice site. Algorithms developed to predict the effect of missense changes on protein structure and function output the following: SIFT: "Tolerated"; PolyPhen-2: "Benign"; Align-GVGD: "Class C0". The arginine amino acid residue is found in multiple mammalian species, which suggests that this missense change does not adversely affect protein function. This variant has not been reported in the literature in individuals affected with FUK-related conditions. This variant is present in population databases (rs746691145, gnomAD 0.04%).

NM_145059.3(FCSK):c.981C>G (p.Ser327Arg)

Gene: FCSK (fucose kinase; plus strand). Cytogenetic location: 16q22.1.
Variant type: single nucleotide variant.
Coding change: c.981C>G on transcript NM_145059.3 (MANE Select); coding-DNA position 981, C replaced by G.
Protein change: p.Ser327Arg; replaces serine 327 with arginine.
Molecular consequence: missense variant.
Genome position (GRCh38, 1-based): chr16:70,470,339, C>G. VCF-style: chr16-70470339-C-G. GRCh37 (hg19) VCF-style: chr16-70504242-C-G.
Other names: c.981C>G (NM_145059.2); short protein forms S327R.
Identifiers: ClinVar variation 1899098 (VCV001899098.6), dbSNP rs746691145, ClinGen allele CA8143155.